The following is an entry in ClinVar:

ClinVar aggregate classification (germline): Uncertain significance (1 of 4 stars; one submission).

Submission:

Labcorp Genetics (formerly Invitae), Labcorp
Classification: Uncertain significance. Last evaluated: 2025-06-01. Review status: criteria provided, single submitter. Criteria: Invitae Variant Classification Sherloc (09022015). Collection method: clinical testing. Allele origin: germline.
Comment: This sequence change replaces lysine, which is basic and polar, with methionine, which is neutral and non-polar, at codon 802 of the LZTR1 protein (p.Lys802Met). This variant is not present in population databases (gnomAD no frequency). This variant has not been reported in the literature in individuals affected with LZTR1-related conditions. An algorithm developed to predict the effect of missense changes on protein structure and function (PolyPhen-2) suggests that this variant is likely to be disruptive. Algorithms developed to predict the effect of sequence changes on RNA splicing suggest that this variant may disrupt the consensus splice site. In summary, the available evidence is currently insufficient to determine the role of this variant in disease. Therefore, it has been classified as a Variant of Uncertain Significance.

NM_006767.4(LZTR1):c.2405A>T (p.Lys802Met)

Gene: LZTR1 (leucine zipper like post translational regulator 1; plus strand). Cytogenetic location: 22q11.21.
Variant type: single nucleotide variant.
Coding change: c.2405A>T on transcript NM_006767.4 (MANE Select); coding-DNA position 2405, A replaced by T.
Protein change: p.Lys802Met; replaces lysine 802 with methionine.
Molecular consequence: missense variant.
Genome position (GRCh38, 1-based): chr22:20,996,965, A>T. VCF-style: chr22-20996965-A-T. GRCh37 (hg19) VCF-style: chr22-21351254-A-T.
Other names: short protein forms K802M.
Identifiers: ClinVar variation 4779128 (VCV004779128.1).